The following is an entry in ClinVar:

NM_002900.3(RBP3):c.3256G>A (p.Gly1086Ser)

Gene: RBP3 (retinol binding protein 3; plus strand). Cytogenetic location: 10q11.22.
Variant type: single nucleotide variant.
Coding change: c.3256G>A on transcript NM_002900.3 (MANE Select); coding-DNA position 3256, G replaced by A.
Protein change: p.Gly1086Ser; replaces glycine 1086 with serine.
Molecular consequence: missense variant.
Genome position (GRCh38, 1-based): chr10:47,355,386, G>A. VCF-style: chr10-47355386-G-A. GRCh37 (hg19) VCF-style: chr10-48383976-C-T.
Other names: c.3256G>A (NM_002900.2); short protein forms G1086S.
Identifiers: ClinVar variation 1913416 (VCV001913416.7), dbSNP rs1481558190, ClinGen allele CA376676768.
Genomic context (GRCh38, chr10:47,355,386, plus strand): 5'-GCCTCACTGTGAGCTCAGCCCCTGAACAGGCTCTGCTTCCCATCCTTCAGGTTCAACATC[G>A]GTGGCCCCACATCCTCCATTCCCATCTTGTGCTCCTACTTCTTTGATGAAGGCCCTCCAG-3'
Protein context (NP_002891.1, residues 1076-1096): AMIIDMRFNI[Gly1086Ser]GPTSSIPILC

ClinVar aggregate classification (germline): Uncertain significance. Review status: criteria provided, multiple submitters, no conflicts (2 of 4 stars). 3 submissions from 3 submitters: Uncertain significance (3). Last evaluated 2025-08-06.

Conditions:
Inborn genetic diseases. Identifiers: MedGen C0950123, MeSH D030342.

Allele frequency attached by ClinVar (database versions not stated): gnomAD 0.00002; TOPMed 0.00003.
gnomAD v4.1: 36 of 1,613,760 alleles (0.0022%); highest among the groups gnomAD compares: East Asian, 0.0067%; no homozygotes.

Submissions (3):

Ambry Genetics
Classification: Uncertain significance for Inborn genetic diseases. Last evaluated: 2025-08-06. Review status: criteria provided, single submitter. Criteria: Ambry Variant Classification Scheme 2023. Collection method: clinical testing. Allele origin: germline.

Blueprint Genetics
Classification: Uncertain significance. Last evaluated: 2023-04-26. Review status: criteria provided, single submitter. Criteria: ACMG Guidelines, 2015. Collection method: clinical testing. Allele origin: germline.

Labcorp Genetics (formerly Invitae), Labcorp
Classification: Uncertain significance. Last evaluated: 2022-06-07. Review status: criteria provided, single submitter. Criteria: Invitae Variant Classification Sherloc (09022015). Collection method: clinical testing. Allele origin: germline.
Comment: In summary, the available evidence is currently insufficient to determine the role of this variant in disease. Therefore, it has been classified as a Variant of Uncertain Significance. This sequence change replaces glycine, which is neutral and non-polar, with serine, which is neutral and polar, at codon 1086 of the RBP3 protein (p.Gly1086Ser). This variant is not present in population databases (gnomAD no frequency). This variant has not been reported in the literature in individuals affected with RBP3-related conditions. Algorithms developed to predict the effect of missense changes on protein structure and function are either unavailable or do not agree on the potential impact of this missense change (SIFT: "Deleterious"; PolyPhen-2: "Probably Damaging"; Align-GVGD: "Class C0").